The following is an entry in ClinVar:

ClinVar aggregate classification (germline): Uncertain significance. Review status: criteria provided, multiple submitters, no conflicts (2 of 4 stars). 2 submissions from 2 submitters: Uncertain significance (2). Last evaluated 2025-12-08.

Conditions:
Noonan syndrome (NS). Also called: Noonan's syndrome. Identifiers: Orphanet 648, MedGen C0028326, MeSH D009634, MONDO:0018997. Disease mechanism: gain of function.

Allele frequency attached by ClinVar (database versions not stated): gnomAD exomes 0.00001 and 0.00002; TOPMed 0.00001; ExAC 0.00004.
gnomAD v4.1: 7 of 1,598,098 alleles (0.00044%); highest among the groups gnomAD compares: South Asian, 0.0011%; no homozygotes.

Submissions (2):

Labcorp Genetics (formerly Invitae), Labcorp
Classification: Uncertain significance for Noonan syndrome. Last evaluated: 2025-12-08. Review status: criteria provided, single submitter. Criteria: Invitae Variant Classification Sherloc (09022015). Collection method: clinical testing. Allele origin: germline.
Comment: This sequence change replaces asparagine, which is neutral and polar, with serine, which is neutral and polar, at codon 178 of the RRAS protein (p.Asn178Ser). This variant is present in population databases (rs762794552, gnomAD 0.004%). This variant has not been reported in the literature in individuals affected with RRAS-related conditions. ClinVar contains an entry for this variant (Variation ID: 1015206). An algorithm developed to predict the effect of missense changes on protein structure and function (PolyPhen-2) suggests that this variant is likely to be tolerated. In summary, the available evidence is currently insufficient to determine the role of this variant in disease. Therefore, it has been classified as a Variant of Uncertain Significance.

Ambry Genetics
Classification: Uncertain significance. Last evaluated: 2024-06-23. Review status: criteria provided, single submitter. Criteria: Ambry Variant Classification Scheme 2023. Collection method: clinical testing. Allele origin: germline.
Comment: The p.N178S variant (also known as c.533A>G), located in coding exon 5 of the RRAS gene, results from an A to G substitution at nucleotide position 533. The asparagine at codon 178 is replaced by serine, an amino acid with highly similar properties. This amino acid position is conserved. In addition, the in silico prediction for this alteration is inconclusive. Based on the available evidence, the clinical significance of this variant remains unclear.

NM_006270.5(RRAS):c.533A>G (p.Asn178Ser)

Gene: RRAS (RAS related; minus strand). Cytogenetic location: 19q13.33.
Variant type: single nucleotide variant.
Coding change: c.533A>G on transcript NM_006270.5 (MANE Select); coding-DNA position 533, A replaced by G.
Protein change: p.Asn178Ser; replaces asparagine 178 with serine.
Molecular consequence: missense variant.
Genome position (GRCh38, 1-based): chr19:49,635,773, T>C on the plus strand (A>G on the coding strand, the complement: RRAS is on the minus strand). VCF-style: chr19-49635773-T-C. GRCh37 (hg19) VCF-style: chr19-50139030-T-C.
Other names: c.533A>G (NM_006270.3); short protein forms N178S.
Identifiers: ClinVar variation 1015206 (VCV001015206.7), dbSNP rs762794552, ClinGen allele CA9578973.